The following is an entry in ClinVar:

NM_078470.6(COX15):c.583-2A>G

Gene: COX15 (cytochrome c oxidase assembly factor COX15; minus strand). Cytogenetic location: 10q24.2.
Variant type: single nucleotide variant.
Coding change: c.583-2A>G on transcript NM_078470.6 (MANE Select); the canonical splice acceptor site of the intron before coding-DNA position 583, A replaced by G.
Molecular consequence: splice acceptor variant.
Genome position (GRCh38, 1-based): chr10:99,724,125, T>C on the plus strand (A>G on the coding strand, the complement: COX15 is on the minus strand). VCF-style: chr10-99724125-T-C. GRCh37 (hg19) VCF-style: chr10-101483882-T-C.
Other names: c.583-2A>G (NM_001320974.2, NM_001372026.1, NM_001372028.1 and 5 more transcripts); c.46-2A>G (NM_001320976.2).
Identifiers: ClinVar variation 2886194 (VCV002886194.3), dbSNP rs2492707791, ClinGen allele CA378103965.

ClinVar aggregate classification (germline): Likely pathogenic (1 of 4 stars; one submission).

Allele frequency attached by ClinVar (database versions not stated): gnomAD exomes below 0.00001.
gnomAD v4.1: 1 of 1,614,056 alleles (0.000062%); highest among the groups gnomAD compares: Non-Finnish European, 0.000085%; no homozygotes.

Submission:

Labcorp Genetics (formerly Invitae), Labcorp
Classification: Likely pathogenic. Last evaluated: 2023-10-20. Review status: criteria provided, single submitter. Criteria: Invitae Variant Classification Sherloc (09022015). Collection method: clinical testing. Allele origin: germline.
Comment: This sequence change affects an acceptor splice site in intron 4 of the COX15 gene. It is expected to disrupt RNA splicing. Variants that disrupt the donor or acceptor splice site typically lead to a loss of protein function (PMID: 16199547), and loss-of-function variants in COX15 are known to be pathogenic (PMID: 15863660, 21412973). This variant is not present in population databases (gnomAD no frequency). This variant has not been reported in the literature in individuals affected with COX15-related conditions. Algorithms developed to predict the effect of sequence changes on RNA splicing suggest that this variant may disrupt the consensus splice site. In summary, the currently available evidence indicates that the variant is pathogenic, but additional data are needed to prove that conclusively. Therefore, this variant has been classified as Likely Pathogenic.

Literature cited by the submitters: PubMed 16199547; PubMed 15863660; PubMed 21412973.